The following is an entry in ClinVar:

NM_006383.4(CIB2):c.199-34C>T

Gene: CIB2 (calcium and integrin binding family member 2; minus strand). Cytogenetic location: 15q25.1.
Variant type: single nucleotide variant.
Coding change: c.199-34C>T on transcript NM_006383.4 (MANE Select); 34 bases into the intron before coding-DNA position 199, C replaced by T.
Molecular consequence: intron variant. On other transcripts: synonymous variant (1).
Genome position (GRCh38, 1-based): chr15:78,109,416, G>A on the plus strand (C>T on the coding strand, the complement: CIB2 is on the minus strand). VCF-style: chr15-78109416-G-A. GRCh37 (hg19) VCF-style: chr15-78401758-G-A.
Other names: c.180C>T, p.Cys60= (NM_001301224.2); c.52-34C>T (NM_001271889.2); c.70-34C>T (NM_001271888.2).
Identifiers: ClinVar variation 3036437 (VCV003036437.2), dbSNP rs1401480749, ClinGen allele CA715897913.

ClinVar aggregate classification (germline): Likely benign (0 of 4 stars; one submission).

Conditions:
CIB2-related disorder. Also called: CIB2-related condition.

Allele frequency attached by ClinVar (database versions not stated): gnomAD 0.00001; TOPMed 0.00001.
gnomAD v4.1: 3 of 1,612,636 alleles (0.00019%); highest among the groups gnomAD compares: Admixed American, 0.0033%; no homozygotes.

Submission:

PreventionGenetics, part of Exact Sciences
Classification: Likely benign for CIB2-related condition. Last evaluated: 2020-08-04. Review status: no assertion criteria provided. Collection method: clinical testing. Allele origin: germline.
Comment: This variant is classified as likely benign based on ACMG/AMP sequence variant interpretation guidelines (Richards et al. 2015 PMID: 25741868, with internal and published modifications).